The following is an entry in ClinVar:

NM_024120.5(NDUFAF5):c.668A>G (p.Asn223Ser)

Gene: NDUFAF5 (NADH:ubiquinone oxidoreductase complex assembly factor 5; plus strand). Cytogenetic location: 20p12.1.
Variant type: single nucleotide variant.
Coding change: c.668A>G on transcript NM_024120.5 (MANE Select); coding-DNA position 668, A replaced by G.
Protein change: p.Asn223Ser; replaces asparagine 223 with serine.
Molecular consequence: missense variant. On other transcripts: non-coding transcript variant (7).
Genome position (GRCh38, 1-based): chr20:13,801,634, A>G. VCF-style: chr20-13801634-A-G. GRCh37 (hg19) VCF-style: chr20-13782280-A-G.
Other names: c.668A>G (NM_024120.4); c.584A>G, p.Asn195Ser (NM_001039375.3); c.197A>G, p.Asn66Ser (NM_001352403.2); c.107A>G, p.Asn36Ser (NM_001352406.2, NM_001352407.2); c.668A>G, p.Asn223Ser (NM_001352408.2); short protein forms N195S, N223S, N36S, N66S.
Identifiers: ClinVar variation 991371 (VCV000991371.5), dbSNP rs371560528, ClinGen allele CA9767834.
Genomic context (GRCh38, chr20:13,801,634, plus strand): 5'-TAGCGGAAACGGAAAGGGAAGGAGGATTTTCTCCACACATTTCTCCTTTCACTGCTGTCA[A>G]TGACCTGGGACATCTGCTTGGGAGAGCTGGCTTTAATACTCTGACTGTGGTAACTATCAA-3'
Protein context (NP_077025.2, residues 213-233): SPHISPFTAV[Asn223Ser]DLGHLLGRAG

ClinVar aggregate classification (germline): Uncertain significance. Review status: criteria provided, multiple submitters, no conflicts (2 of 4 stars). 3 submissions from 3 submitters: Uncertain significance (2). 1 of the submissions does not count toward it. Last evaluated 2025-09-10.

Conditions:
Inborn genetic diseases. Identifiers: MedGen C0950123, MeSH D030342.
Leigh syndrome (NULS). Also called: Leigh's syndrome; Leigh Syndrome (mtDNA deletion); Leigh Disease; Subacute necrotizing encephalopathy; Necrotizing encephalopathy infantile subacute of Leigh; LEIGH SYNDROME, NUCLEAR. Identifiers: Orphanet 506, MedGen C2931891, MONDO:0009723, OMIM 256000.

Allele frequency attached by ClinVar (database versions not stated): gnomAD exomes 0.00001 and 0.00004; gnomAD 0.00004 and 0.00005; TOPMed 0.00004; ExAC 0.00007; 1000 Genomes Project 30x 0.00016; 1000 Genomes Project 0.00020; ESP Exome Variant Server 0.00023.
gnomAD v4.1: 28 of 1,614,082 alleles (0.0017%); highest among the groups gnomAD compares: Admixed American, 0.017%; 1 homozygote.

Submissions (3):

Ambry Genetics
Classification: Uncertain significance for Inborn genetic diseases. Last evaluated: 2025-09-10. Review status: criteria provided, single submitter. Criteria: Ambry Variant Classification Scheme 2023. Collection method: clinical testing. Allele origin: germline.

Labcorp Genetics (formerly Invitae), Labcorp
Classification: Uncertain significance. Last evaluated: 2025-03-03. Review status: criteria provided, single submitter. Criteria: Invitae Variant Classification Sherloc (09022015). Collection method: clinical testing. Allele origin: germline.
Comment: This sequence change replaces asparagine, which is neutral and polar, with serine, which is neutral and polar, at codon 223 of the NDUFAF5 protein (p.Asn223Ser). This variant is present in population databases (rs371560528, gnomAD 0.02%). This variant has not been reported in the literature in individuals affected with NDUFAF5-related conditions. ClinVar contains an entry for this variant (Variation ID: 991371). Invitae Evidence Modeling of protein sequence and biophysical properties (such as structural, functional, and spatial information, amino acid conservation, physicochemical variation, residue mobility, and thermodynamic stability) indicates that this missense variant is not expected to disrupt NDUFAF5 protein function with a negative predictive value of 95%. In summary, the available evidence is currently insufficient to determine the role of this variant in disease. Therefore, it has been classified as a Variant of Uncertain Significance.

Natera, Inc.
Classification: Uncertain significance for Leigh syndrome. Last evaluated: 2020-11-11. Review status: no assertion criteria provided. Collection method: clinical testing. Allele origin: germline. Not counted in ClinVar's aggregate classification.